The following is an entry in ClinVar:

NM_001458.5(FLNC):c.3488C>T (p.Pro1163Leu)

Gene: FLNC (filamin C; plus strand). Cytogenetic location: 7q32.1.
Variant type: single nucleotide variant.
Coding change: c.3488C>T on transcript NM_001458.5 (MANE Select); coding-DNA position 3488, C replaced by T.
Protein change: p.Pro1163Leu; replaces proline 1163 with leucine.
Molecular consequence: missense variant.
Genome position (GRCh38, 1-based): chr7:128,844,953, C>T. VCF-style: chr7-128844953-C-T. GRCh37 (hg19) VCF-style: chr7-128485007-C-T.
Other names: c.3488C>T, p.Pro1163Leu (NM_001127487.2); short protein forms P1163L.
Identifiers: ClinVar variation 539355 (VCV000539355.17), dbSNP rs377489161, ClinGen allele CA4475054.

ClinVar aggregate classification (germline): Uncertain significance. Review status: criteria provided, multiple submitters, no conflicts (2 of 4 stars). 6 submissions from 6 submitters: Uncertain significance (6). Last evaluated 2026-05-06.

Conditions:
Distal myopathy with posterior leg and anterior hand involvement. Also called: WILLIAMS DISTAL MYOPATHY. Identifiers: Orphanet 63273, MedGen C3279722, MONDO:0013550, OMIM 614065.
Myofibrillar myopathy 5. Also called: Filaminopathy (type); FILAMINOPATHY, AUTOSOMAL DOMINANT. Identifiers: Orphanet 171445, MedGen C1836050, MONDO:0012289, OMIM 609524.
Dilated Cardiomyopathy, Dominant.
Hypertrophic cardiomyopathy 26. Also called: Cardiomyopathy, familial hypertrophic, 26. Identifiers: Orphanet 75249, MedGen C4310749, MONDO:0014883, OMIM 617047.
Cardiovascular phenotype. Identifiers: MedGen CN230736.
FLNC-related disorder. Also called: FLNC-related disorders; FLNC-related condition.

Allele frequency attached by ClinVar (database versions not stated): ExAC 0.00001; gnomAD 0.00001 and 0.00002; TOPMed 0.00002.
gnomAD v4.1: 53 of 1,613,750 alleles (0.0033%); highest among the groups gnomAD compares: Non-Finnish European, 0.0041%; no homozygotes.

Submissions (6):

PreventionGenetics, part of Exact Sciences
Classification: Uncertain significance for FLNC-related condition. Last evaluated: 2026-05-06. Review status: criteria provided, single submitter. Criteria: ACMG Guidelines, 2015. Collection method: clinical testing. Allele origin: germline.
Comment: The FLNC c.3488C>T variant is predicted to result in the amino acid substitution p.Pro1163Leu. To our knowledge, this variant has not been reported in the literature. This variant is reported in 0.0047% of alleles in individuals of European (Non-Finnish) descent in gnomAD. At this time, the clinical significance of this variant is uncertain due to the absence of conclusive functional and genetic evidence.

Labcorp Genetics (formerly Invitae), Labcorp
Classification: Uncertain significance for Distal myopathy with posterior leg and anterior hand involvement; Myofibrillar myopathy 5; Hypertrophic cardiomyopathy 26. Last evaluated: 2024-12-30. Review status: criteria provided, single submitter. Criteria: Invitae Variant Classification Sherloc (09022015). Collection method: clinical testing. Allele origin: germline.
Comment: This sequence change replaces proline, which is neutral and non-polar, with leucine, which is neutral and non-polar, at codon 1163 of the FLNC protein (p.Pro1163Leu). This variant is present in population databases (rs377489161, gnomAD 0.004%). This variant has not been reported in the literature in individuals affected with FLNC-related conditions. ClinVar contains an entry for this variant (Variation ID: 539355). Invitae Evidence Modeling of protein sequence and biophysical properties (such as structural, functional, and spatial information, amino acid conservation, physicochemical variation, residue mobility, and thermodynamic stability) has been performed for this missense variant. However, the output from this modeling did not meet the statistical confidence thresholds required to predict the impact of this variant on FLNC protein function. In summary, the available evidence is currently insufficient to determine the role of this variant in disease. Therefore, it has been classified as a Variant of Uncertain Significance.

Women's Health and Genetics/Laboratory Corporation of America, LabCorp
Classification: Uncertain significance. Last evaluated: 2024-03-03. Review status: criteria provided, single submitter. Criteria: LabCorp Variant Classification Summary - May 2015. Collection method: clinical testing. Allele origin: germline.

GeneDx
Classification: Uncertain significance. Last evaluated: 2022-11-15. Review status: criteria provided, single submitter. Criteria: GeneDx Variant Classification Process June 2021. Collection method: clinical testing. Allele origin: germline. Affected: yes.
Comment: In silico analysis supports that this missense variant has a deleterious effect on protein structure/function; Has not been previously published as pathogenic or benign to our knowledge; This variant is associated with the following publications: (PMID: 26555887)

Ambry Genetics
Classification: Uncertain significance for Cardiovascular phenotype. Last evaluated: 2022-03-17. Review status: criteria provided, single submitter. Criteria: Ambry Variant Classification Scheme 2023. Collection method: clinical testing. Allele origin: germline.
Comment: The p.P1163L variant (also known as c.3488C>T), located in coding exon 21 of the FLNC gene, results from a C to T substitution at nucleotide position 3488. The proline at codon 1163 is replaced by leucine, an amino acid with similar properties. This amino acid position is conserved. In addition, this alteration is predicted to be deleterious by in silico analysis. Since supporting evidence is limited at this time, the clinical significance of this alteration remains unclear.

Juno Genomics, Hangzhou Juno Genomics, Inc
Classification: Uncertain significance for Myofibrillar myopathy 5; Hypertrophic cardiomyopathy 26; Distal myopathy with posterior leg and anterior hand involvement. Review status: criteria provided, single submitter. Criteria: ACMG Guidelines, 2015. Collection method: clinical testing. Allele origin: germline.
Comment: Missense variant in a gene that has a low rate of benign missense variation.;Multiple lines of computational evidence support a deleterious effect on the gene or gene product.;Absent from controls (or at extremely low frequency if recessive) in Genome Aggregation Database.